The following is an entry in ClinVar:

ClinVar aggregate classification (germline): Uncertain significance (1 of 4 stars; one submission).

gnomAD v4.1: 1 of 1,602,676 alleles (0.000062%); highest among the groups gnomAD compares: South Asian, 0.0011%; no homozygotes.

Submission:

Labcorp Genetics (formerly Invitae), Labcorp
Classification: Uncertain significance. Last evaluated: 2022-07-11. Review status: criteria provided, single submitter. Criteria: Invitae Variant Classification Sherloc (09022015). Collection method: clinical testing. Allele origin: germline.
Comment: This sequence change replaces isoleucine, which is neutral and non-polar, with threonine, which is neutral and polar, at codon 9 of the CNGA1 protein (p.Ile9Thr). This variant is present in population databases (no rsID available, gnomAD 0.003%). This variant has not been reported in the literature in individuals affected with CNGA1-related conditions. ClinVar contains an entry for this variant (Variation ID: 958528). Algorithms developed to predict the effect of missense changes on protein structure and function (SIFT, PolyPhen-2, Align-GVGD) all suggest that this variant is likely to be tolerated. In summary, the available evidence is currently insufficient to determine the role of this variant in disease. Therefore, it has been classified as a Variant of Uncertain Significance.

NM_001379270.1(CNGA1):c.14T>C (p.Ile5Thr)

Genes: CNGA1 (cyclic nucleotide gated channel subunit alpha 1; minus strand), LOC101927157 (uncharacterized LOC101927157; plus strand). Cytogenetic location: 4p12.
Variant type: single nucleotide variant.
Coding change: c.14T>C on transcript NM_001379270.1 (MANE Select); coding-DNA position 14, T replaced by C.
Protein change: p.Ile5Thr; replaces isoleucine 5 with threonine.
Molecular consequence: missense variant.
Genome position (GRCh38, 1-based): chr4:47,952,676, A>G on the plus strand (T>C on the coding strand, the complement: CNGA1 is on the minus strand). VCF-style: chr4-47952676-A-G. GRCh37 (hg19) VCF-style: chr4-47954693-A-G.
Other names: c.14T>C, p.Ile5Thr (NM_000087.5, NM_001142564.2); short protein forms I5T.
Identifiers: ClinVar variation 958528 (VCV000958528.7), dbSNP rs1259820486, ClinGen allele CA356836782.